The following is an entry in ClinVar:

ClinVar aggregate classification (germline): Benign (1 of 4 stars; one submission).

Conditions:
Cleidocranial dysostosis (CLCD1). Also called: cleidocranial dysplasia 1; Marie-Sainton disease; Cleidocranial Dysplasia Spectrum Disorder. Identifiers: Orphanet 1452, MedGen C0008928, MONDO:0007340, OMIM 119600.

Allele frequency attached by ClinVar (database versions not stated): gnomAD 0.00001 and 0.00044; TOPMed 0.00011; 1000 Genomes Project 0.00280; 1000 Genomes Project 30x 0.00281.

Submission:

Illumina Laboratory Services, Illumina
Classification: Benign for Cleidocranial dysostosis. Last evaluated: 2018-01-12. Review status: criteria provided, single submitter. Criteria: ICSL Variant Classification Criteria 13 December 2019. Collection method: clinical testing. Allele origin: germline.
Comment: This variant was observed in the ICSL laboratory as part of a predisposition screen in an ostensibly healthy population. It had not been previously curated by ICSL or reported in the Human Gene Mutation Database (HGMD: prior to June 1st, 2018), and was therefore a candidate for classification through an automated scoring system. Utilizing variant allele frequency, disease prevalence and penetrance estimates, and inheritance mode, an automated score was calculated to assess if this variant is too frequent to cause the disease. Based on the score and internal cut-off values, a variant classified as benign is not then subjected to further curation. The score for this variant resulted in a classification of benign for this disease.

NM_001024630.4(RUNX2):c.*3345G>A

Gene: RUNX2 (RUNX family transcription factor 2; plus strand). Cytogenetic location: 6p21.1.
Variant type: single nucleotide variant.
Coding change: c.*3345G>A on transcript NM_001024630.4 (MANE Select); 3345 bases downstream of the stop codon, G replaced by A.
Molecular consequence: 3 prime UTR variant.
Genome position (GRCh38, 1-based): chr6:45,550,650, G>A. VCF-style: chr6-45550650-G-A. GRCh37 (hg19) VCF-style: chr6-45518387-G-A.
Other names: c.*3345G>A (NM_001015051.4, NM_001278478.2, NM_001369405.1).
Identifiers: ClinVar variation 357144 (VCV000357144.5), dbSNP rs376702554, ClinGen allele CA10624194.